The following is an entry in ClinVar:

NM_001199138.2(NLRC4):c.1079C>T (p.Thr360Ile)

Gene: NLRC4 (NLR family CARD domain containing 4; minus strand). Cytogenetic location: 2p22.3.
Variant type: single nucleotide variant.
Coding change: c.1079C>T on transcript NM_001199138.2 (MANE Select); coding-DNA position 1079, C replaced by T.
Protein change: p.Thr360Ile; replaces threonine 360 with isoleucine.
Molecular consequence: missense variant. On other transcripts: intron variant (1).
Genome position (GRCh38, 1-based): chr2:32,250,785, G>A on the plus strand (C>T on the coding strand, the complement: NLRC4 is on the minus strand). VCF-style: chr2-32250785-G-A. GRCh37 (hg19) VCF-style: chr2-32475854-G-A.
Other names: c.1079C>T, p.Thr360Ile (NM_001199139.2, NM_021209.5); c.262+1634C>T (NM_001302504.1); short protein forms T360I.
Identifiers: ClinVar variation 1488525 (VCV001488525.6), dbSNP rs1166830231, ClinGen allele CA346513571.

ClinVar aggregate classification (germline): Uncertain significance (1 of 4 stars; one submission).

Conditions:
Periodic fever-infantile enterocolitis-autoinflammatory syndrome. Also called: Autoinflammation with infantile enterocolitis. Identifiers: Orphanet 436166, MedGen C4015067, MONDO:0014472, OMIM 616050.
Familial cold autoinflammatory syndrome 4 (FCAS4). Identifiers: Orphanet 47045, Orphanet 576349, MedGen C4015276, MONDO:0014498, OMIM 616115.

Allele frequency attached by ClinVar (database versions not stated): gnomAD 0.00001.
gnomAD v4.1: 2 of 1,614,044 alleles (0.00012%); highest among the groups gnomAD compares: African/African-American, 0.0027%; no homozygotes.

Submission:

Labcorp Genetics (formerly Invitae), Labcorp
Classification: Uncertain significance for Periodic fever-infantile enterocolitis-autoinflammatory syndrome; Familial cold autoinflammatory syndrome 4. Last evaluated: 2021-11-14. Review status: criteria provided, single submitter. Criteria: Invitae Variant Classification Sherloc (09022015). Collection method: clinical testing. Allele origin: germline.
Comment: In summary, the available evidence is currently insufficient to determine the role of this variant in disease. Therefore, it has been classified as a Variant of Uncertain Significance. Algorithms developed to predict the effect of missense changes on protein structure and function are either unavailable or do not agree on the potential impact of this missense change (SIFT: "Deleterious"; PolyPhen-2: "Probably Damaging"; Align-GVGD: "Class C0"). This variant has not been reported in the literature in individuals affected with NLRC4-related conditions. This variant is present in population databases (no rsID available, gnomAD 0.01%). This sequence change replaces threonine, which is neutral and polar, with isoleucine, which is neutral and non-polar, at codon 360 of the NLRC4 protein (p.Thr360Ile).